The following is an entry in ClinVar:

ClinVar aggregate classification (germline): Uncertain significance (1 of 4 stars; one submission).

Conditions:
PLXNA3-related disorder. Also called: PLXNA3-related condition.

gnomAD v4.1: 1 of 1,203,242 alleles (0.000083%); highest among the groups gnomAD compares: African/African-American, 0.0018%; no homozygotes.

Submission:

PreventionGenetics, part of Exact Sciences
Classification: Uncertain significance for PLXNA3-related condition. Last evaluated: 2026-05-12. Review status: criteria provided, single submitter. Criteria: ACMG Guidelines, 2015. Collection method: clinical testing. Allele origin: germline.
Comment: The PLXNA3 c.1406G>A variant is predicted to result in the amino acid substitution p.Ser469Asn. To our knowledge, this variant has not been reported in the literature or in a large population database (gnomAD), indicating this variant is rare. At this time, the clinical significance of this variant is uncertain due to the absence of conclusive functional and genetic evidence.

NM_017514.5(PLXNA3):c.1406G>A (p.Ser469Asn)

Gene: PLXNA3 (plexin A3; plus strand). Cytogenetic location: Xq28.
Variant type: single nucleotide variant.
Coding change: c.1406G>A on transcript NM_017514.5 (MANE Select); coding-DNA position 1406, G replaced by A.
Protein change: p.Ser469Asn; replaces serine 469 with asparagine.
Molecular consequence: missense variant.
Genome position (GRCh38, 1-based): chrX:154,463,479, G>A. VCF-style: chrX-154463479-G-A. GRCh37 (hg19) VCF-style: chrX-153691822-G-A.
Other names: short protein forms S469N.
Identifiers: ClinVar variation 4994444 (VCV004994444.1).